The following is an entry in ClinVar:

ClinVar aggregate classification (germline): Uncertain significance (1 of 4 stars; one submission).

Conditions:
DNA ligase IV deficiency. Identifiers: Orphanet 99812, MedGen C1847827, MONDO:0011686, OMIM 606593.

Allele frequency attached by ClinVar (database versions not stated): TOPMed 0.00002.

Submission:

Labcorp Genetics (formerly Invitae), Labcorp
Classification: Uncertain significance for DNA ligase IV deficiency. Last evaluated: 2021-08-24. Review status: criteria provided, single submitter. Criteria: Invitae Variant Classification Sherloc (09022015). Collection method: clinical testing. Allele origin: germline.
Comment: This sequence change replaces glutamine with lysine at codon 773 of the LIG4 protein (p.Gln773Lys). The glutamine residue is moderately conserved and there is a small physicochemical difference between glutamine and lysine. This variant is not present in population databases (ExAC no frequency). This variant has not been reported in the literature in individuals affected with LIG4-related conditions. Algorithms developed to predict the effect of missense changes on protein structure and function (SIFT, PolyPhen-2, Align-GVGD) all suggest that this variant is likely to be tolerated. In summary, the available evidence is currently insufficient to determine the role of this variant in disease. Therefore, it has been classified as a Variant of Uncertain Significance.

NM_206937.2(LIG4):c.2317C>A (p.Gln773Lys)

Gene: LIG4 (DNA ligase 4; minus strand). Cytogenetic location: 13q33.3.
Variant type: single nucleotide variant.
Coding change: c.2317C>A on transcript NM_206937.2 (MANE Select); coding-DNA position 2317, C replaced by A.
Protein change: p.Gln773Lys; replaces glutamine 773 with lysine.
Molecular consequence: missense variant.
Genome position (GRCh38, 1-based): chr13:108,208,952, G>T on the plus strand (C>A on the coding strand, the complement: LIG4 is on the minus strand). VCF-style: chr13-108208952-G-T. GRCh37 (hg19) VCF-style: chr13-108861300-G-T.
Other names: c.2317C>A, p.Gln773Lys (NM_001098268.2, NM_001352598.2, NM_001352599.2 and 6 more transcripts); c.2116C>A, p.Gln706Lys (NM_001330595.2); c.2353C>A, p.Gln785Lys (NM_001352604.2); short protein forms Q773K, Q706K, Q785K.
Identifiers: ClinVar variation 657797 (VCV000657797.6), dbSNP rs1386691031, ClinGen allele CA388613535.